The following is an entry in ClinVar:

ClinVar aggregate classification (germline): Conflicting classifications of pathogenicity. Review status: criteria provided, conflicting classifications (1 of 4 stars). 2 submissions from 2 submitters: Uncertain significance (1); Likely benign (1). Last evaluated 2022-07-14.

Conditions:
Spermatogenic failure 18. Identifiers: MedGen C4539783, MONDO:0054615, OMIM 617576.
Ciliary dyskinesia, primary, 37 (CILD37). Also called: CILIARY DYSKINESIA, PRIMARY, 37, WITH OR WITHOUT SITUS INVERSUS. Identifiers: MedGen C4539798, MONDO:0033204, OMIM 617577.

Allele frequency attached by ClinVar (database versions not stated): ExAC 0.00001.
gnomAD v4.1: 13 of 1,613,250 alleles (0.00081%); highest among the groups gnomAD compares: Admixed American, 0.0033%; no homozygotes.

Submissions (2):

Labcorp Genetics (formerly Invitae), Labcorp
Classification: Uncertain significance for Ciliary dyskinesia, primary, 37; Spermatogenic failure 18. Last evaluated: 2022-07-14. Review status: criteria provided, single submitter. Criteria: Invitae Variant Classification Sherloc (09022015). Collection method: clinical testing. Allele origin: germline.
Comment: This sequence change affects codon 2222 of the DNAH1 mRNA. It is a 'silent' change, meaning that it does not change the encoded amino acid sequence of the DNAH1 protein. It affects a nucleotide within the consensus splice site. This variant is present in population databases (rs766093116, gnomAD 0.003%). This variant has not been reported in the literature in individuals affected with DNAH1-related conditions. Algorithms developed to predict the effect of sequence changes on RNA splicing suggest that this variant is not likely to affect RNA splicing. In summary, the available evidence is currently insufficient to determine the role of this variant in disease. Therefore, it has been classified as a Variant of Uncertain Significance.

Blueprint Genetics
Classification: Likely benign. Last evaluated: 2021-06-22. Review status: criteria provided, single submitter. Criteria: ACMG Guidelines, 2015. Collection method: clinical testing. Allele origin: germline.

NM_015512.5(DNAH1):c.6666C>T (p.Pro2222=)

Gene: DNAH1 (dynein axonemal heavy chain 1; plus strand). Cytogenetic location: 3p21.1.
Variant type: single nucleotide variant.
Coding change: c.6666C>T on transcript NM_015512.5 (MANE Select); coding-DNA position 6666, C replaced by T.
Protein change: p.Pro2222=; no amino-acid change (proline 2222 retained).
Molecular consequence: synonymous variant.
Genome position (GRCh38, 1-based): chr3:52,372,086, C>T. VCF-style: chr3-52372086-C-T. GRCh37 (hg19) VCF-style: chr3-52406102-C-T.
Identifiers: ClinVar variation 2158581 (VCV002158581.2), dbSNP rs766093116, ClinGen allele CA2434585.
Genomic context (GRCh38, chr3:52,372,086, plus strand): 5'-CACCATGGACACCGTGCAGATGTCCCATTTACTGGACATGCTGCTCACCAACAAGAAGCC[C>T]GTGAGCACCCCCCCAGGCCCTGCCTCCACTGTCCCCAAGGCCTATATTGGGGGTTGACCA-3'
Protein context (NP_056327.4, residues 2212-2232): LLDMLLTNKK[Pro2222=]VLCIGPTGTG